The following is an entry in ClinVar:

NM_001256317.3(TMPRSS3):c.1049-4G>A

Gene: TMPRSS3 (transmembrane serine protease 3; minus strand). Cytogenetic location: 21q22.3.
Variant type: single nucleotide variant.
Coding change: c.1049-4G>A on transcript NM_001256317.3 (MANE Select); 4 bases into the intron before coding-DNA position 1049, G replaced by A.
Molecular consequence: intron variant. On other transcripts: splice acceptor variant (2).
Genome position (GRCh38, 1-based): chr21:42,376,687, C>T on the plus strand (G>A on the coding strand, the complement: TMPRSS3 is on the minus strand). VCF-style: chr21-42376687-C-T. GRCh37 (hg19) VCF-style: chr21-43796796-C-T.
Other names: c.1049-1G>A (NM_024022.4, NM_024022.3); c.668-1G>A (NM_032404.3).
Identifiers: ClinVar variation 2159764 (VCV002159764.5), dbSNP rs1016968797, ClinGen allele CA321539346.
Genomic context (GRCh38, chr21:42,376,687, plus strand): 5'-AGATCTTGTTGGAAATCAAAGGGACGGCCGCGTGGTTCAGGACAGGGGAGGCGTCACCTG[C>T]TTCAAAGTGAGTGAGGGGATGTGTGTGAGAAGGAAGCCCGGCCCAAAACACAGAAGGCGC-3'

ClinVar aggregate classification (germline): Likely pathogenic. Review status: criteria provided, multiple submitters, no conflicts (2 of 4 stars). 2 submissions from 2 submitters: Likely pathogenic (2). Last evaluated 2025-12-29.

Conditions:
Autosomal recessive nonsyndromic hearing loss 8 (DFNB8). Also called: NEUROSENSORY NONSYNDROMIC RECESSIVE DEAFNESS 8; Deafness, autosomal recessive 10. Identifiers: Orphanet 90636, MedGen C1832827, MONDO:0010987, OMIM 601072.

Allele frequency attached by ClinVar (database versions not stated): gnomAD exomes 0.00001; gnomAD 0.00003; TOPMed 0.00012.
gnomAD v4.1: 11 of 1,613,828 alleles (0.00068%); highest among the groups gnomAD compares: Admixed American, 0.015%; no homozygotes.

Submissions (2):

Labcorp Genetics (formerly Invitae), Labcorp
Classification: Likely pathogenic. Last evaluated: 2025-12-29. Review status: criteria provided, single submitter. Criteria: Invitae Variant Classification Sherloc (09022015). Collection method: clinical testing. Allele origin: germline.
Comment: This sequence change affects an acceptor splice site in intron 10 of the TMPRSS3 gene. It is expected to disrupt RNA splicing. Variants that disrupt the donor or acceptor splice site typically lead to a loss of protein function (PMID: 16199547), and loss-of-function variants in TMPRSS3 are known to be pathogenic (PMID: 16021470, 26969326). This variant is present in population databases (no rsID available, gnomAD no frequency). This variant has not been reported in the literature in individuals affected with TMPRSS3-related conditions. ClinVar contains an entry for this variant (Variation ID: 2159764). Algorithms developed to predict the effect of sequence changes on RNA splicing suggest that this variant may disrupt the consensus splice site. In summary, the currently available evidence indicates that the variant is pathogenic, but additional data are needed to prove that conclusively. Therefore, this variant has been classified as Likely Pathogenic.

Fulgent Genetics
Classification: Likely pathogenic for Autosomal recessive nonsyndromic hearing loss 8. Last evaluated: 2024-05-30. Review status: criteria provided, single submitter. Criteria: ACMG Guidelines, 2015. Collection method: clinical testing. Allele origin: germline.

Literature cited by the submitters: PubMed 16199547 (cited by Labcorp Genetics (formerly Invitae), Labcorp); PubMed 16021470 (cited by Labcorp Genetics (formerly Invitae), Labcorp); PubMed 26969326 (cited by Labcorp Genetics (formerly Invitae), Labcorp).